The following is an entry in ClinVar:

ClinVar aggregate classification (germline): Likely benign (1 of 4 stars; one submission).

Allele frequency attached by ClinVar (database versions not stated): gnomAD exomes 0.00001; 1000 Genomes Project 30x 0.00016; gnomAD 0.00017 and 0.00021; TOPMed 0.00025.
gnomAD v4.1: 49 of 1,237,230 alleles (0.004%); highest among the groups gnomAD compares: African/African-American, 0.062%; no homozygotes.

Submission:

GeneDx
Classification: Likely benign. Last evaluated: 2017-06-13. Review status: criteria provided, single submitter. Criteria: GeneDx Variant Classification (06012015). Collection method: clinical testing. Allele origin: germline. Affected: yes.
Comment: This variant is considered likely benign or benign based on one or more of the following criteria: it is a conservative change, it occurs at a poorly conserved position in the protein, it is predicted to be benign by multiple in silico algorithms, and/or has population frequency not consistent with disease.

NM_001101426.4(CRPPA):c.-21C>T

Genes: CRPPA (CDP-L-ribitol pyrophosphorylase A; minus strand), LOC129998005 (ATAC-STARR-seq lymphoblastoid silent region 17982; plus strand). Cytogenetic location: 7p21.2.
Variant type: single nucleotide variant.
Coding change: c.-21C>T on transcript NM_001101426.4 (MANE Select); 21 bases upstream of the start codon, C replaced by T.
Molecular consequence: 5 prime UTR variant. On other transcripts: non-coding transcript variant (1).
Genome position (GRCh38, 1-based): chr7:16,421,343, G>A on the plus strand (C>T on the coding strand, the complement: CRPPA is on the minus strand). VCF-style: chr7-16421343-G-A. GRCh37 (hg19) VCF-style: chr7-16460968-G-A.
Other names: c.-21C>T (NM_001101417.4, NM_001368197.1).
Identifiers: ClinVar variation 517962 (VCV000517962.1), dbSNP rs935897175, ClinGen allele CA154766885.